The following is an entry in ClinVar:

ClinVar aggregate classification (germline): Uncertain significance. Review status: criteria provided, multiple submitters, no conflicts (2 of 4 stars). 2 submissions from 2 submitters: Uncertain significance (2). Last evaluated 2025-03-06.

Conditions:
Hereditary cancer-predisposing syndrome. Also called: Hereditary Cancer Syndrome; Neoplastic Syndromes, Hereditary; Hereditary neoplastic syndrome; Tumor predisposition. Identifiers: Orphanet 140162, MedGen C0027672, MeSH D009386, MONDO:0015356.

Submissions (2):

Ambry Genetics
Classification: Uncertain significance for Hereditary cancer-predisposing syndrome. Last evaluated: 2025-03-06. Review status: criteria provided, single submitter. Criteria: Ambry Variant Classification Scheme 2023. Collection method: clinical testing. Allele origin: germline.
Comment: The p.L1686Q variant (also known as c.5057T>A), located in coding exon 38 of the POLE gene, results from a T to A substitution at nucleotide position 5057. The leucine at codon 1686 is replaced by glutamine, an amino acid with dissimilar properties. This amino acid position is conserved. In addition, the in silico prediction for this alteration is inconclusive. Based on the available evidence, the clinical significance of this variant remains unclear.

Labcorp Genetics (formerly Invitae), Labcorp
Classification: Uncertain significance. Last evaluated: 2024-05-01. Review status: criteria provided, single submitter. Criteria: Invitae Variant Classification Sherloc (09022015). Collection method: clinical testing. Allele origin: germline.
Comment: This sequence change replaces leucine, which is neutral and non-polar, with glutamine, which is neutral and polar, at codon 1686 of the POLE protein (p.Leu1686Gln). This variant is not present in population databases (gnomAD no frequency). This variant has not been reported in the literature in individuals affected with POLE-related conditions. Advanced modeling of protein sequence and biophysical properties (such as structural, functional, and spatial information, amino acid conservation, physicochemical variation, residue mobility, and thermodynamic stability) performed at Invitae indicates that this missense variant is not expected to disrupt POLE protein function with a negative predictive value of 80%. In summary, the available evidence is currently insufficient to determine the role of this variant in disease. Therefore, it has been classified as a Variant of Uncertain Significance.

NM_006231.4(POLE):c.5057T>A (p.Leu1686Gln)

Gene: POLE (DNA polymerase epsilon, catalytic subunit; minus strand). Cytogenetic location: 12q24.33.
Variant type: single nucleotide variant.
Coding change: c.5057T>A on transcript NM_006231.4 (MANE Select); coding-DNA position 5057, T replaced by A.
Protein change: p.Leu1686Gln; replaces leucine 1686 with glutamine.
Molecular consequence: missense variant.
Genome position (GRCh38, 1-based): chr12:132,642,293, A>T on the plus strand (T>A on the coding strand, the complement: POLE is on the minus strand). VCF-style: chr12-132642293-A-T. GRCh37 (hg19) VCF-style: chr12-133218879-A-T.
Other names: c.5057T>A (NM_006231.2); short protein forms L1686Q.
Identifiers: ClinVar variation 3651758 (VCV003651758.3).